The following is an entry in ClinVar:

NM_000138.5(FBN1):c.6342A>C (p.Gly2114=)

Gene: FBN1 (fibrillin 1; minus strand). Cytogenetic location: 15q21.1.
Variant type: single nucleotide variant.
Coding change: c.6342A>C on transcript NM_000138.5 (MANE Select); coding-DNA position 6342, A replaced by C.
Protein change: p.Gly2114=; no amino-acid change (glycine 2114 retained).
Molecular consequence: synonymous variant.
Genome position (GRCh38, 1-based): chr15:48,437,359, T>G on the plus strand (A>C on the coding strand, the complement: FBN1 is on the minus strand). VCF-style: chr15-48437359-T-G. GRCh37 (hg19) VCF-style: chr15-48729556-T-G.
Identifiers: ClinVar variation 413894 (VCV000413894.26), dbSNP rs374705586, ClinGen allele CA056624.

ClinVar aggregate classification (germline): Likely benign. Review status: criteria provided, multiple submitters, no conflicts (2 of 4 stars). 7 submissions from 7 submitters: Likely benign (6). 1 of the submissions does not count toward it. Last evaluated 2025-12-23.

Conditions:
Familial thoracic aortic aneurysm and aortic dissection (TAAD). Also called: Thoracic aortic aneurysms and dissections. Identifiers: Orphanet 91387, MedGen C4707243, MONDO:0019625.
Marfan syndrome (MFS). Also called: Marfan syndrome, classic; Marfan syndrome type 1; Marfan's syndrome; MARFAN SYNDROME, TYPE I; FBN1-Related Marfan Syndrome. Identifiers: Orphanet 284963, Orphanet 558, MedGen C0024796, MONDO:0007947, OMIM 154700.
FBN1-related disorder. Also called: FBN1-related disorders.

Allele frequency attached by ClinVar (database versions not stated): TOPMed 0.00013; ESP Exome Variant Server 0.00015; gnomAD exomes 0.00001 and 0.00002; ExAC 0.00004; gnomAD 0.00015 and 0.00017.
gnomAD v4.1: 39 of 1,613,448 alleles (0.0024%); highest among the groups gnomAD compares: African/African-American, 0.045%; no homozygotes.

Submissions (7):

Labcorp Genetics (formerly Invitae), Labcorp
Classification: Likely benign for Marfan syndrome; Familial thoracic aortic aneurysm and aortic dissection. Last evaluated: 2025-12-23. Review status: criteria provided, single submitter. Criteria: Invitae Variant Classification Sherloc (09022015). Collection method: clinical testing. Allele origin: germline.

All of Us Research Program, National Institutes of Health
Classification: Likely benign for Marfan syndrome. Last evaluated: 2024-09-17. Review status: criteria provided, single submitter. Criteria: ACMG Guidelines, 2015. Collection method: clinical testing. Allele origin: germline. Inheritance: Autosomal dominant inheritance. Observed: 8 variant alleles, 8 heterozygotes.
Comment: This study involves interpretation of variants in research participants for the purpose of population health screening. Participant phenotype was not available at the time of variant classification. Additional details can be found in publication PMID: 35346344, PMCID: PMC8962531

Ambry Genetics
Classification: Likely benign for Familial thoracic aortic aneurysm and aortic dissection. Last evaluated: 2022-07-19. Review status: criteria provided, single submitter. Criteria: Ambry Variant Classification Scheme 2023. Collection method: clinical testing. Allele origin: germline.

GeneDx
Classification: Likely benign. Last evaluated: 2020-05-22. Review status: criteria provided, single submitter. Criteria: GeneDx Variant Classification Process June 2021. Collection method: clinical testing. Allele origin: germline. Affected: yes.

Color Diagnostics, LLC DBA Color Health
Classification: Likely benign for Familial thoracic aortic aneurysm and aortic dissection. Last evaluated: 2019-06-10. Review status: criteria provided, single submitter. Criteria: ACMG Guidelines, 2015. Collection method: clinical testing. Allele origin: germline.

ARUP Laboratories, Molecular Genetics and Genomics, ARUP Laboratories
Classification: Likely benign. Last evaluated: 2018-08-15. Review status: criteria provided, single submitter. Criteria: ARUP Molecular Germline Variant Investigation Process. Collection method: clinical testing. Allele origin: germline.

PreventionGenetics, part of Exact Sciences
Classification: Likely benign for FBN1-related condition. Last evaluated: 2023-12-04. Review status: no assertion criteria provided. Collection method: clinical testing. Allele origin: germline. Not counted in ClinVar's aggregate classification.
Comment: This variant is classified as likely benign based on ACMG/AMP sequence variant interpretation guidelines (Richards et al. 2015 PMID: 25741868, with internal and published modifications).